The following is an entry in ClinVar:

ClinVar aggregate classification (germline): Conflicting classifications of pathogenicity. Review status: criteria provided, conflicting classifications (1 of 4 stars). 3 submissions from 3 submitters: Uncertain significance (1); Likely benign (2). Last evaluated 2026-01-12.

Conditions:
Hypertrophic cardiomyopathy 1 (CMH1). Also called: Familial hypertrophic cardiomyopathy 1; MYH7-Related Familial Hypertrophic Cardiomyopathy. Identifiers: MedGen C3495498, MONDO:0008647, OMIM 192600.

Allele frequency attached by ClinVar (database versions not stated): gnomAD 0.00006; TOPMed 0.00019; ExAC 0.00035.
gnomAD v4.1: 107 of 1,613,972 alleles (0.0066%); highest among the groups gnomAD compares: Admixed American, 0.18%; no homozygotes.

Submissions (3):

Labcorp Genetics (formerly Invitae), Labcorp
Classification: Likely benign for Hypertrophic cardiomyopathy 1. Last evaluated: 2026-01-12. Review status: criteria provided, single submitter. Criteria: Invitae Variant Classification Sherloc (09022015). Collection method: clinical testing. Allele origin: germline.

GeneDx
Classification: Uncertain significance. Last evaluated: 2024-02-01. Review status: criteria provided, single submitter. Criteria: GeneDx Variant Classification Process June 2021. Collection method: clinical testing. Allele origin: germline. Affected: yes.
Comment: Observed in one individual with hypertrophic cardiomyopathy in the published literature (PMID: 24082139); In silico analysis supports that this missense variant has a deleterious effect on protein structure/function; This variant is associated with the following publications: (PMID: 24082139)

Women's Health and Genetics/Laboratory Corporation of America, LabCorp
Classification: Likely benign. Last evaluated: 2022-07-10. Review status: criteria provided, single submitter. Criteria: LabCorp Variant Classification Summary - May 2015. Collection method: clinical testing. Allele origin: germline.

NM_033118.4(MYLK2):c.1204G>T (p.Val402Phe)

Gene: MYLK2 (myosin light chain kinase 2; plus strand). Cytogenetic location: 20q11.21.
Variant type: single nucleotide variant.
Coding change: c.1204G>T on transcript NM_033118.4 (MANE Select); coding-DNA position 1204, G replaced by T.
Protein change: p.Val402Phe; replaces valine 402 with phenylalanine.
Molecular consequence: missense variant.
Genome position (GRCh38, 1-based): chr20:31,826,918, G>T. VCF-style: chr20-31826918-G-T. GRCh37 (hg19) VCF-style: chr20-30414721-G-T.
Other names: p.V402F:GTT>TTT; short protein forms V402F.
Identifiers: ClinVar variation 201866 (VCV000201866.14), dbSNP rs779637525, ClinGen allele CA335260.